The following is an entry in ClinVar:

ClinVar aggregate classification (germline): Benign/Likely benign. Review status: criteria provided, multiple submitters, no conflicts (2 of 4 stars). 5 submissions from 5 submitters: Benign (1); Likely benign (4). Last evaluated 2025-07-27.

Conditions:
Arrhythmogenic cardiomyopathy with wooly hair and keratoderma. Also called: Carvajal syndrome; PALMOPLANTAR KERATODERMA WITH LEFT VENTRICULAR CARDIOMYOPATHY AND WOOLLY HAIR; Dilated cardiomyopathy with woolly hair and keratoderma; Arrhythmogenic cardiomyopathy with woolly hair and keratoderma. Identifiers: Orphanet 65282, MedGen C1854063, MONDO:0011581, OMIM 605676.
Arrhythmogenic right ventricular dysplasia 8 (ARVD8). Also called: Arrhythmogenic Right Ventricular Dysplasia/Cardiomyopathy 8; ARRHYTHMOGENIC RIGHT VENTRICULAR DYSPLASIA, FAMILIAL, 8; ARRHYTHMOGENIC RIGHT VENTRICULAR CARDIOMYOPATHY 8. Identifiers: MedGen C1843896, MONDO:0011831, OMIM 607450.
Cardiomyopathy (CMYO). Also called: Cardiomyopathies. Identifiers: Orphanet 167848, MedGen C0878544, MONDO:0004994, HP:0001638. Inheritance: Various modes of inheritance.
Cardiovascular phenotype. Identifiers: MedGen CN230736.

Allele frequency attached by ClinVar (database versions not stated): gnomAD 0.00001; gnomAD exomes 0.00002; TOPMed 0.00002; ExAC 0.00003.
gnomAD v4.1: 29 of 1,614,090 alleles (0.0018%); highest among the groups gnomAD compares: Non-Finnish European, 0.0024%; no homozygotes.

Submissions (5):

Labcorp Genetics (formerly Invitae), Labcorp
Classification: Benign for Arrhythmogenic cardiomyopathy with wooly hair and keratoderma; Arrhythmogenic right ventricular dysplasia 8. Last evaluated: 2025-07-27. Review status: criteria provided, single submitter. Criteria: Invitae Variant Classification Sherloc (09022015). Collection method: clinical testing. Allele origin: germline.

Blueprint Genetics
Classification: Likely benign. Last evaluated: 2024-08-14. Review status: criteria provided, single submitter. Criteria: ACMG Guidelines, 2015. Collection method: clinical testing. Allele origin: germline.

All of Us Research Program, National Institutes of Health
Classification: Likely benign for Arrhythmogenic cardiomyopathy with wooly hair and keratoderma. Last evaluated: 2024-04-16. Review status: criteria provided, single submitter. Criteria: ACMG Guidelines, 2015. Collection method: clinical testing. Allele origin: germline. Inheritance: Autosomal dominant inheritance. Observed: 8 variant alleles, 8 heterozygotes.
Comment: This study involves interpretation of variants in research participants for the purpose of population health screening. Participant phenotype was not available at the time of variant classification. Additional details can be found in publication PMID: 35346344, PMCID: PMC8962531

Ambry Genetics
Classification: Likely benign for Cardiovascular phenotype. Last evaluated: 2021-04-02. Review status: criteria provided, single submitter. Criteria: Ambry Variant Classification Scheme 2023. Collection method: clinical testing. Allele origin: germline.

Color Diagnostics, LLC DBA Color Health
Classification: Likely benign for Cardiomyopathy. Last evaluated: 2018-11-21. Review status: criteria provided, single submitter. Criteria: ACMG Guidelines, 2015. Collection method: clinical testing. Allele origin: germline.

NM_004415.4(DSP):c.7650C>T (p.Gly2550=)

Gene: DSP (desmoplakin; plus strand). Cytogenetic location: 6p24.3.
Variant type: single nucleotide variant.
Coding change: c.7650C>T on transcript NM_004415.4 (MANE Select); coding-DNA position 7650, C replaced by T.
Protein change: p.Gly2550=; no amino-acid change (glycine 2550 retained).
Molecular consequence: synonymous variant.
Genome position (GRCh38, 1-based): chr6:7,584,912, C>T. VCF-style: chr6-7584912-C-T. GRCh37 (hg19) VCF-style: chr6-7585145-C-T.
Other names: c.5853C>T, p.Gly1951= (NM_001008844.3); c.6321C>T, p.Gly2107= (NM_001319034.2).
Identifiers: ClinVar variation 925429 (VCV000925429.14), dbSNP rs780277298, ClinGen allele CA050371.